The following is an entry in ClinVar:

NM_203446.3(SYNJ1):c.-76C>A

Gene: SYNJ1 (synaptojanin 1; minus strand). Cytogenetic location: 21q22.11.
Variant type: single nucleotide variant.
Coding change: c.-76C>A on transcript NM_203446.3 (MANE Select); 76 bases upstream of the start codon, C replaced by A.
Molecular consequence: 5 prime UTR variant. On other transcripts: synonymous variant (1).
Genome position (GRCh38, 1-based): chr21:32,727,999, G>T on the plus strand (C>A on the coding strand, the complement: SYNJ1 is on the minus strand). VCF-style: chr21-32727999-G-T. GRCh37 (hg19) VCF-style: chr21-34100310-G-T.
Other names: c.42C>A, p.Pro14= (NM_003895.4).
Identifiers: ClinVar variation 1968399 (VCV001968399.15), dbSNP rs1416068005, ClinGen allele CA512150655.

ClinVar aggregate classification (germline): Likely benign. Review status: criteria provided, multiple submitters, no conflicts (2 of 4 stars). 2 submissions from 2 submitters: Likely benign (2). Last evaluated 2025-06-01.

Conditions:
Early-onset Parkinson disease 20. Also called: PARKINSON DISEASE 20, AUTOSOMAL RECESSIVE EARLY-ONSET. Identifiers: Orphanet 391411, MedGen C3809824, MONDO:0014233, OMIM 615530.
Developmental and epileptic encephalopathy, 53. Also called: Epileptic encephalopathy, early infantile, 53. Identifiers: MedGen C4479313, MONDO:0033362, OMIM 617389.

gnomAD v4.1: 3 of 1,536,152 alleles (0.0002%); highest among the groups gnomAD compares: Admixed American, 0.002%; no homozygotes.

Submissions (2):

CeGaT Center for Human Genetics Tuebingen
Classification: Likely benign. Last evaluated: 2025-06-01. Review status: criteria provided, single submitter. Criteria: CeGaT Center For Human Genetics Tuebingen Variant Classification Criteria Version 2. Collection method: clinical testing. Allele origin: germline. Affected: yes. Observed: 1 variant allele.
Comment: SYNJ1: BP4, BP7

Labcorp Genetics (formerly Invitae), Labcorp
Classification: Likely benign for Developmental and epileptic encephalopathy, 53; Early-onset Parkinson disease 20. Last evaluated: 2022-02-22. Review status: criteria provided, single submitter. Criteria: Invitae Variant Classification Sherloc (09022015). Collection method: clinical testing. Allele origin: germline.